The following is an entry in ClinVar:

NM_002878.4(RAD51D):c.892T>G (p.Ser298Ala)

Genes: RAD51D (RAD51 paralog D; minus strand), RAD51L3-RFFL (RAD51L3-RFFL readthrough; minus strand). Cytogenetic location: 17q12.
Variant type: single nucleotide variant.
Coding change: c.892T>G on transcript NM_002878.4 (MANE Select); coding-DNA position 892, T replaced by G.
Protein change: p.Ser298Ala; replaces serine 298 with alanine.
Molecular consequence: missense variant. On other transcripts: non-coding transcript variant (3).
Genome position (GRCh38, 1-based): chr17:35,101,212, A>C on the plus strand (T>G on the coding strand, the complement: RAD51D is on the minus strand). VCF-style: chr17-35101212-A-C. GRCh37 (hg19) VCF-style: chr17-33428231-A-C.
Other names: c.952T>G, p.Ser318Ala (NM_001142571.2); c.556T>G, p.Ser186Ala (NM_133629.3); short protein forms S186A, S298A, S318A.
Identifiers: ClinVar variation 3665847 (VCV003665847.2).

ClinVar aggregate classification (germline): Uncertain significance (1 of 4 stars; one submission).

Conditions:
Breast-ovarian cancer, familial, susceptibility to, 4. Identifiers: Orphanet 145, MedGen C3280345, MONDO:0013669, OMIM 614291.

Submission:

Labcorp Genetics (formerly Invitae), Labcorp
Classification: Uncertain significance for Breast-ovarian cancer, familial, susceptibility to, 4. Last evaluated: 2024-10-13. Review status: criteria provided, single submitter. Criteria: Invitae Variant Classification Sherloc (09022015). Collection method: clinical testing. Allele origin: germline.
Comment: This sequence change replaces serine, which is neutral and polar, with alanine, which is neutral and non-polar, at codon 298 of the RAD51D protein (p.Ser298Ala). This variant is not present in population databases (gnomAD no frequency). This variant has not been reported in the literature in individuals affected with RAD51D-related conditions. Invitae Evidence Modeling of protein sequence and biophysical properties (such as structural, functional, and spatial information, amino acid conservation, physicochemical variation, residue mobility, and thermodynamic stability) indicates that this missense variant is not expected to disrupt RAD51D protein function with a negative predictive value of 80%. In summary, the available evidence is currently insufficient to determine the role of this variant in disease. Therefore, it has been classified as a Variant of Uncertain Significance.